The following is an entry in ClinVar:

NM_006580.4(CLDN16):c.83G>A (p.Cys28Tyr)

Gene: CLDN16 (claudin 16; plus strand). Cytogenetic location: 3q28.
Variant type: single nucleotide variant.
Coding change: c.83G>A on transcript NM_006580.4 (MANE Select); coding-DNA position 83, G replaced by A.
Protein change: p.Cys28Tyr; replaces cysteine 28 with tyrosine.
Molecular consequence: missense variant.
Genome position (GRCh38, 1-based): chr3:190,388,412, G>A. VCF-style: chr3-190388412-G-A. GRCh37 (hg19) VCF-style: chr3-190106201-G-A.
Other names: c.83G>A, p.Cys28Tyr (NM_001378492.1, NM_001378493.1); short protein forms C28Y.
Identifiers: ClinVar variation 4074272 (VCV004074272.1).

ClinVar aggregate classification (germline): Likely pathogenic (1 of 4 stars; one submission).

Conditions:
Primary hypomagnesemia (HOMG3). Also called: HYPOMAGNESEMIA 3, RENAL; HYPOMAGNESEMIA, FAMILIAL, WITH HYPERCALCIURIA AND NEPHROCALCINOSIS; HYPOMAGNESEMIA, ISOLATED RENAL; HYPOMAGNESEMIA, PRIMARY, DUE TO DEFECT IN RENAL TUBULAR TRANSPORT OF MAGNESIUM. Identifiers: Orphanet 31043, MedGen C0268448, MONDO:0009550, OMIM 248250.

Submission:

Rare Kidney Stone Consortium and the Mayo Clinic Hyperoxaluria Center, Mayo Clinic
Classification: Likely pathogenic for Primary hypomagnesemia. Last evaluated: 2025-05-01. Review status: criteria provided, single submitter. Criteria: ACMG Guidelines, 2015. Collection method: research. Allele origin: germline. Affected: yes.
Comment: ACMG: PM2, PM3, PP2,PP3, PP4

homozygote

Literature cited by the submitters: PubMed 34805638.